The following is an entry in ClinVar:

ClinVar aggregate classification (germline): Uncertain significance. Review status: criteria provided, multiple submitters, no conflicts (2 of 4 stars). 2 submissions from 2 submitters: Uncertain significance (2). Last evaluated 2026-07-06.

Conditions:
Inborn genetic diseases. Identifiers: MedGen C0950123, MeSH D030342.
ETV6-related disorder. Also called: ETV6-related condition.

gnomAD v4.1: 1 of 1,614,102 alleles (0.000062%); highest among the groups gnomAD compares: Non-Finnish European, 0.000085%; no homozygotes.

Submissions (2):

Ambry Genetics
Classification: Uncertain significance for Inborn genetic diseases. Last evaluated: 2026-07-06. Review status: criteria provided, single submitter. Criteria: Ambry Variant Classification Scheme 2023. Collection method: clinical testing. Allele origin: germline.
Comment: The p.P174S variant (also known as c.520C>T), located in coding exon 5 of the ETV6 gene, results from a C to T substitution at nucleotide position 520. The proline at codon 174 is replaced by serine, an amino acid with similar properties. This amino acid position is conserved. In addition, the in silico prediction for this alteration is inconclusive. Based on the available evidence, the clinical significance of this variant remains unclear.

PreventionGenetics, part of Exact Sciences
Classification: Uncertain significance for ETV6-related condition. Last evaluated: 2026-07-05. Review status: criteria provided, single submitter. Criteria: ACMG Guidelines, 2015. Collection method: clinical testing. Allele origin: germline.
Comment: The ETV6 c.520C>T variant is predicted to result in the amino acid substitution p.Pro174Ser. To our knowledge, this variant has not been reported in the literature. This variant is reported in 0.00088% of alleles in individuals of European (Non-Finnish) descent in gnomAD. At this time, the clinical significance of this variant is uncertain due to the absence of conclusive functional and genetic evidence.

NM_001987.5(ETV6):c.520C>T (p.Pro174Ser)

Gene: ETV6 (ETS variant transcription factor 6; plus strand). Cytogenetic location: 12p13.2.
Variant type: single nucleotide variant.
Coding change: c.520C>T on transcript NM_001987.5 (MANE Select); coding-DNA position 520, C replaced by T.
Protein change: p.Pro174Ser; replaces proline 174 with serine.
Molecular consequence: missense variant.
Genome position (GRCh38, 1-based): chr12:11,869,480, C>T. VCF-style: chr12-11869480-C-T. GRCh37 (hg19) VCF-style: chr12-12022414-C-T.
Other names: c.517C>T, p.Pro173Ser (NM_001413913.1); c.493C>T, p.Pro165Ser (NM_001413914.1); c.256C>T, p.Pro86Ser (NM_001413915.1); c.520C>T, p.Pro174Ser (NM_001413916.1, NM_001413917.1); short protein forms P86S, P165S, P173S, P174S.
Identifiers: ClinVar variation 4993278 (VCV004993278.2).